The following is an entry in ClinVar:

NM_005236.3(ERCC4):c.906T>C (p.Asp302=)

Gene: ERCC4 (ERCC excision repair 4, endonuclease catalytic subunit; plus strand). Cytogenetic location: 16p13.12.
Variant type: single nucleotide variant.
Coding change: c.906T>C on transcript NM_005236.3 (MANE Select); coding-DNA position 906, T replaced by C.
Protein change: p.Asp302=; no amino-acid change (aspartic acid 302 retained).
Molecular consequence: synonymous variant.
Genome position (GRCh38, 1-based): chr16:13,930,823, T>C. VCF-style: chr16-13930823-T-C. GRCh37 (hg19) VCF-style: chr16-14024680-T-C.
Identifiers: ClinVar variation 435077 (VCV000435077.28), dbSNP rs148003381, ClinGen allele CA7910301.

ClinVar aggregate classification (germline): Likely benign. Review status: criteria provided, multiple submitters, no conflicts (2 of 4 stars). 4 submissions from 4 submitters: Likely benign (4). Last evaluated 2026-01-12.

Conditions:
Cockayne syndrome. Identifiers: Orphanet 191, MedGen C0009207, MONDO:0016006.
Xeroderma pigmentosum, group F (XPF). Also called: XERODERMA PIGMENTOSUM, COMPLEMENTATION GROUP F; XERODERMA PIGMENTOSUM VI; XP, GROUP F; XERODERMA PIGMENTOSUM, TYPE F; Xeroderma pigmentosum, type 6; ERCC4-Related Xeroderma Pigmentosum. Identifiers: MedGen C0268140, MONDO:0010215, OMIM 278760.
Fanconi anemia complementation group Q. Identifiers: Orphanet 84, MedGen C3808988, MONDO:0014108, OMIM 615272.
Xeroderma pigmentosum (XP). Identifiers: Orphanet 910, MedGen C0043346, MONDO:0019600.

Allele frequency attached by ClinVar (database versions not stated): TOPMed 0.00003; ExAC 0.00004; gnomAD 0.00004; gnomAD exomes 0.00004 and 0.00005; ESP Exome Variant Server 0.00031.
gnomAD v4.1: 83 of 1,613,210 alleles (0.0051%); highest among the groups gnomAD compares: Non-Finnish European, 0.0065%; no homozygotes.

Submissions (4):

Labcorp Genetics (formerly Invitae), Labcorp
Classification: Likely benign for Fanconi anemia complementation group Q; Xeroderma pigmentosum, group F; Cockayne syndrome. Last evaluated: 2026-01-12. Review status: criteria provided, single submitter. Criteria: Invitae Variant Classification Sherloc (09022015). Collection method: clinical testing. Allele origin: germline.

CeGaT Center for Human Genetics Tuebingen
Classification: Likely benign. Last evaluated: 2024-09-01. Review status: criteria provided, single submitter. Criteria: CeGaT Center For Human Genetics Tuebingen Variant Classification Criteria Version 2. Collection method: clinical testing. Allele origin: germline. Affected: yes. Observed: 1 variant allele.
Comment: ERCC4: BP4, BP7

Sema4
Classification: Likely benign for Xeroderma pigmentosum. Last evaluated: 2022-01-19. Review status: criteria provided, single submitter. Criteria: Sema4 Curation Guidelines. Collection method: curation. Allele origin: germline.

Genetic Services Laboratory, University of Chicago
Classification: Likely benign. Last evaluated: 2016-12-19. Review status: criteria provided, single submitter. Criteria: ACMG Guidelines, 2015. Collection method: clinical testing. Allele origin: germline. Affected: no.